The following is an entry in ClinVar:

ClinVar aggregate classification (germline): Benign (1 of 4 stars; one submission).

Allele frequency attached by ClinVar (database versions not stated): 1000 Genomes Project 0.16394; 1000 Genomes Project 30x 0.16724; TOPMed 0.20375; gnomAD 0.20975 and 0.21163.
gnomAD v4.1: 31,813 of 152,156 alleles (21%); highest among the groups gnomAD compares: Middle Eastern, 26%; 3,533 homozygotes.

Submission:

GeneDx
Classification: Benign. Last evaluated: 2018-06-14. Review status: criteria provided, single submitter. Criteria: GeneDx Variant Classification (06012015). Collection method: clinical testing. Allele origin: germline. Affected: yes.
Comment: This variant is considered likely benign or benign based on one or more of the following criteria: it is a conservative change, it occurs at a poorly conserved position in the protein, it is predicted to be benign by multiple in silico algorithms, and/or has population frequency not consistent with disease.

NM_002474.3(MYH11):c.791-276T>C

Gene: MYH11 (myosin heavy chain 11; minus strand). Cytogenetic location: 16p13.11.
Variant type: single nucleotide variant.
Coding change: c.791-276T>C on transcript NM_002474.3 (MANE Select); 276 bases into the intron before coding-DNA position 791, T replaced by C.
Molecular consequence: intron variant.
Genome position (GRCh38, 1-based): chr16:15,776,452, A>G on the plus strand (T>C on the coding strand, the complement: MYH11 is on the minus strand). VCF-style: chr16-15776452-A-G. GRCh37 (hg19) VCF-style: chr16-15870309-A-G.
Other names: c.791-276T>C (NM_022844.3); c.812-276T>C (NM_001040114.2, NM_001040113.2).
Identifiers: ClinVar variation 680657 (VCV000680657.1), dbSNP rs57038077, ClinGen allele CA14322453.
Genomic context (GRCh38, chr16:15,776,452, plus strand): 5'-TGAAAAGAAAAAGCATAAAAAGGCTCCAGGAAGAAGGTAATGGTAACGAGATGTTCCCCT[A>G]ACAGCCATCACCAGCAAATCTTCTTTAAAATGAGCTGTCTTCAGACATGACAGAATACAA-3'